The following is an entry in ClinVar:

NM_001008537.3(NEXMIF):c.4245G>T (p.Met1415Ile)

Gene: NEXMIF (neurite extension and migration factor; minus strand). Cytogenetic location: Xq13.3.
Variant type: single nucleotide variant.
Coding change: c.4245G>T on transcript NM_001008537.3 (MANE Select); coding-DNA position 4245, G replaced by T.
Protein change: p.Met1415Ile; replaces methionine 1415 with isoleucine.
Molecular consequence: missense variant.
Genome position (GRCh38, 1-based): chrX:74,740,312, C>A on the plus strand (G>T on the coding strand, the complement: NEXMIF is on the minus strand). VCF-style: chrX-74740312-C-A. GRCh37 (hg19) VCF-style: chrX-73960147-C-A.
Other names: short protein forms M1415I.
Identifiers: ClinVar variation 3617323 (VCV003617323.2).

ClinVar aggregate classification (germline): Uncertain significance (1 of 4 stars; one submission).

Submission:

Labcorp Genetics (formerly Invitae), Labcorp
Classification: Uncertain significance. Last evaluated: 2024-10-28. Review status: criteria provided, single submitter. Criteria: Invitae Variant Classification Sherloc (09022015). Collection method: clinical testing. Allele origin: germline.
Comment: This sequence change replaces methionine, which is neutral and non-polar, with isoleucine, which is neutral and non-polar, at codon 1415 of the NEXMIF protein (p.Met1415Ile). This variant is not present in population databases (gnomAD no frequency). This variant has not been reported in the literature in individuals affected with NEXMIF-related conditions. An algorithm developed to predict the effect of missense changes on protein structure and function outputs the following: PolyPhen-2: "Benign". The isoleucine amino acid residue is found in multiple mammalian species, which suggests that this missense change does not adversely affect protein function. In summary, the available evidence is currently insufficient to determine the role of this variant in disease. Therefore, it has been classified as a Variant of Uncertain Significance.